The following is an entry in ClinVar:

ClinVar aggregate classification (germline): Uncertain significance (1 of 4 stars; one submission).

Submission:

Labcorp Genetics (formerly Invitae), Labcorp
Classification: Uncertain significance. Last evaluated: 2025-11-12. Review status: criteria provided, single submitter. Criteria: Invitae Variant Classification Sherloc (09022015). Collection method: clinical testing. Allele origin: germline.
Comment: This sequence change replaces leucine, which is neutral and non-polar, with phenylalanine, which is neutral and non-polar, at codon 92 of the POMP protein (p.Leu92Phe). This variant is not present in population databases (gnomAD no frequency). This variant has not been reported in the literature in individuals affected with POMP-related conditions. An algorithm developed to predict the effect of missense changes on protein structure and function (PolyPhen-2) suggests that this variant is likely to be disruptive. In summary, the available evidence is currently insufficient to determine the role of this variant in disease. Therefore, it has been classified as a Variant of Uncertain Significance.

NM_015932.6(POMP):c.274C>T (p.Leu92Phe)

Gene: POMP (proteasome maturation protein; plus strand). Cytogenetic location: 13q12.3.
Variant type: single nucleotide variant.
Coding change: c.274C>T on transcript NM_015932.6 (MANE Select); coding-DNA position 274, C replaced by T.
Protein change: p.Leu92Phe; replaces leucine 92 with phenylalanine.
Molecular consequence: missense variant.
Genome position (GRCh38, 1-based): chr13:28,672,348, C>T. VCF-style: chr13-28672348-C-T. GRCh37 (hg19) VCF-style: chr13-29246485-C-T.
Other names: short protein forms L92F.
Identifiers: ClinVar variation 4730754 (VCV004730754.1).